The following is an entry in ClinVar:

NM_006734.4(HIVEP2):c.4021C>T (p.His1341Tyr)

Gene: HIVEP2 (HIVEP zinc finger 2; minus strand). Cytogenetic location: 6q24.2.
Variant type: single nucleotide variant.
Coding change: c.4021C>T on transcript NM_006734.4 (MANE Select); coding-DNA position 4021, C replaced by T.
Protein change: p.His1341Tyr; replaces histidine 1341 with tyrosine.
Molecular consequence: missense variant.
Genome position (GRCh38, 1-based): chr6:142,770,718, G>A on the plus strand (C>T on the coding strand, the complement: HIVEP2 is on the minus strand). VCF-style: chr6-142770718-G-A. GRCh37 (hg19) VCF-style: chr6-143091855-G-A.
Other names: short protein forms H1341Y.
Identifiers: ClinVar variation 2746581 (VCV002746581.3), dbSNP rs2482826422, ClinGen allele CA365901541.

ClinVar aggregate classification (germline): Uncertain significance (1 of 4 stars; one submission).

Submission:

Labcorp Genetics (formerly Invitae), Labcorp
Classification: Uncertain significance. Last evaluated: 2023-08-09. Review status: criteria provided, single submitter. Criteria: Invitae Variant Classification Sherloc (09022015). Collection method: clinical testing. Allele origin: germline.
Comment: In summary, the available evidence is currently insufficient to determine the role of this variant in disease. Therefore, it has been classified as a Variant of Uncertain Significance. Advanced modeling of protein sequence and biophysical properties (such as structural, functional, and spatial information, amino acid conservation, physicochemical variation, residue mobility, and thermodynamic stability) performed at Invitae indicates that this missense variant is expected to disrupt HIVEP2 protein function. This variant has not been reported in the literature in individuals affected with HIVEP2-related conditions. This variant is not present in population databases (gnomAD no frequency). This sequence change replaces histidine, which is basic and polar, with tyrosine, which is neutral and polar, at codon 1341 of the HIVEP2 protein (p.His1341Tyr).